The following is an entry in ClinVar:

NM_053025.4(MYLK):c.338G>T (p.Gly113Val)

Gene: MYLK (myosin light chain kinase; minus strand). Cytogenetic location: 3q21.1.
Variant type: single nucleotide variant.
Coding change: c.338G>T on transcript NM_053025.4 (MANE Select); coding-DNA position 338, G replaced by T.
Protein change: p.Gly113Val; replaces glycine 113 with valine.
Molecular consequence: missense variant. On other transcripts: intron variant (1).
Genome position (GRCh38, 1-based): chr3:123,752,366, C>A on the plus strand (G>T on the coding strand, the complement: MYLK is on the minus strand). VCF-style: chr3-123752366-C-A. GRCh37 (hg19) VCF-style: chr3-123471213-C-A.
Other names: c.338G>T, p.Gly113Val (NM_053026.4, NM_053027.4, NM_053028.4); c.-155-12365G>T (NM_001321309.2); short protein forms G113V.
Identifiers: ClinVar variation 2896456 (VCV002896456.2), dbSNP rs1036536395, ClinGen allele CA82952892.

ClinVar aggregate classification (germline): Uncertain significance (1 of 4 stars; one submission).

Conditions:
Aortic aneurysm, familial thoracic 7 (AAT7). Also called: AORTIC DISSECTION, FAMILIAL, WITH OR WITHOUT AORTIC ANEURYSM. Identifiers: MedGen C3151077, MONDO:0013418, OMIM 613780.

Allele frequency attached by ClinVar (database versions not stated): gnomAD 0.00001; TOPMed 0.00001.
gnomAD v4.1: 2 of 1,614,032 alleles (0.00012%); highest among the groups gnomAD compares: African/African-American, 0.0013%; no homozygotes.

Submission:

Labcorp Genetics (formerly Invitae), Labcorp
Classification: Uncertain significance for Aortic aneurysm, familial thoracic 7. Last evaluated: 2025-03-05. Review status: criteria provided, single submitter. Criteria: Invitae Variant Classification Sherloc (09022015). Collection method: clinical testing. Allele origin: germline.
Comment: This sequence change replaces glycine, which is neutral and non-polar, with valine, which is neutral and non-polar, at codon 113 of the MYLK protein (p.Gly113Val). This variant is not present in population databases (gnomAD no frequency). This variant has not been reported in the literature in individuals affected with MYLK-related conditions. ClinVar contains an entry for this variant (Variation ID: 2896456). An algorithm developed to predict the effect of missense changes on protein structure and function (PolyPhen-2) suggests that this variant is likely to be tolerated. In summary, the available evidence is currently insufficient to determine the role of this variant in disease. Therefore, it has been classified as a Variant of Uncertain Significance.